The following is an entry in ClinVar:

ClinVar aggregate classification (germline): Uncertain significance. Review status: criteria provided, multiple submitters, no conflicts (2 of 4 stars). 2 submissions from 2 submitters: Uncertain significance (2). Last evaluated 2025-07-28.

Conditions:
Inborn genetic diseases. Identifiers: MedGen C0950123, MeSH D030342.

gnomAD v4.1: 3 of 1,613,708 alleles (0.00019%); highest among the groups gnomAD compares: Admixed American, 0.005%; no homozygotes.

Submissions (2):

Ambry Genetics
Classification: Uncertain significance for Inborn genetic diseases. Last evaluated: 2025-07-28. Review status: criteria provided, single submitter. Criteria: Ambry Variant Classification Scheme 2023. Collection method: clinical testing. Allele origin: germline.
Comment: The p.A103V variant (also known as c.308C>T), located in coding exon 2 of the MBD4 gene, results from a C to T substitution at nucleotide position 308. The alanine at codon 103 is replaced by valine, an amino acid with similar properties. This amino acid position is conserved. In addition, this alteration is predicted to be deleterious by in silico analysis. Based on the available evidence, the clinical significance of this variant remains unclear.

Labcorp Genetics (formerly Invitae), Labcorp
Classification: Uncertain significance. Last evaluated: 2025-05-01. Review status: criteria provided, single submitter. Criteria: Invitae Variant Classification Sherloc (09022015). Collection method: clinical testing. Allele origin: germline.
Comment: This sequence change replaces alanine, which is neutral and non-polar, with valine, which is neutral and non-polar, at codon 103 of the MBD4 protein (p.Ala103Val). This variant is present in population databases (rs772947757, gnomAD 0.009%). This variant has not been reported in the literature in individuals affected with MBD4-related conditions. ClinVar contains an entry for this variant (Variation ID: 3680516). An algorithm developed to predict the effect of missense changes on protein structure and function (PolyPhen-2) suggests that this variant is likely to be disruptive. Algorithms developed to predict the effect of sequence changes on RNA splicing suggest that this variant may disrupt the consensus splice site. In summary, the available evidence is currently insufficient to determine the role of this variant in disease. Therefore, it has been classified as a Variant of Uncertain Significance.

NM_001276270.2(MBD4):c.308C>T (p.Ala103Val)

Gene: MBD4 (methyl-CpG binding domain 4, DNA glycosylase; minus strand). Cytogenetic location: 3q21.3.
Variant type: single nucleotide variant.
Coding change: c.308C>T on transcript NM_001276270.2 (MANE Select); coding-DNA position 308, C replaced by T.
Protein change: p.Ala103Val; replaces alanine 103 with valine.
Molecular consequence: missense variant. On other transcripts: intron variant (1).
Genome position (GRCh38, 1-based): chr3:129,437,747, G>A on the plus strand (C>T on the coding strand, the complement: MBD4 is on the minus strand). VCF-style: chr3-129437747-G-A. GRCh37 (hg19) VCF-style: chr3-129156590-G-A.
Other names: c.247+61C>T (NM_001276273.2); c.308C>T, p.Ala103Val (NM_001276271.2, NM_001276272.2, NM_003925.3); short protein forms A103V.
Identifiers: ClinVar variation 3680516 (VCV003680516.3).